The following is an entry in ClinVar:

ClinVar aggregate classification (germline): Uncertain significance. Review status: criteria provided, multiple submitters, no conflicts (2 of 4 stars). 2 submissions from 2 submitters: Uncertain significance (2). Last evaluated 2025-09-03.

Conditions:
Neurofibromatosis, type 1 (NF1). Also called: Peripheral type neurofibromatosis; Neurofibromatosis, type I; VON RECKLINGHAUSEN DISEASE; NEUROFIBROMATOSIS, TYPE I, SOMATIC. Identifiers: Orphanet 636, MedGen C0027831, MONDO:0018975, OMIM 162200. Disease mechanism: loss of function.
Café-au-lait macules with pulmonary stenosis (WTSN). Also called: PULMONIC STENOSIS WITH CAFE-AU-LAIT SPOTS. Identifiers: MedGen C0553586, MONDO:0008672, OMIM 193520.
Neurofibromatosis-Noonan syndrome (NFNS). Also called: NEUROFIBROMATOSIS WITH NOONAN PHENOTYPE. Identifiers: Orphanet 638, MedGen C2931482, MONDO:0011035, OMIM 601321. Disease mechanism: loss of function.
Neurofibromatosis, familial spinal (FSNF). Identifiers: Orphanet 636, MedGen C1834235, MONDO:0008078, OMIM 162210. Disease mechanism: loss of function.
Juvenile myelomonocytic leukemia (JMML). Also called: LEUKEMIA, JUVENILE MYELOMONOCYTIC, SOMATIC. Identifiers: Orphanet 86834, MedGen C0349639, MONDO:0011908, OMIM 607785, HP:0012209.

gnomAD v4.1: 1 of 1,538,638 alleles (0.000065%); no homozygotes.

Submissions (2):

Labcorp Genetics (formerly Invitae), Labcorp
Classification: Uncertain significance for Neurofibromatosis, type 1. Last evaluated: 2025-09-03. Review status: criteria provided, single submitter. Criteria: Invitae Variant Classification Sherloc (09022015). Collection method: clinical testing. Allele origin: germline.
Comment: This sequence change replaces arginine, which is basic and polar, with serine, which is neutral and polar, at codon 5 of the NF1 protein (p.Arg5Ser). This variant is not present in population databases (gnomAD no frequency). This variant has not been reported in the literature in individuals affected with NF1-related conditions. ClinVar contains an entry for this variant (Variation ID: 578123). Invitae Evidence Modeling of protein sequence and biophysical properties (such as structural, functional, and spatial information, amino acid conservation, physicochemical variation, residue mobility, and thermodynamic stability) has been performed for this missense variant. However, the output from this modeling did not meet the statistical confidence thresholds required to predict the impact of this variant on NF1 protein function. In summary, the available evidence is currently insufficient to determine the role of this variant in disease. Therefore, it has been classified as a Variant of Uncertain Significance.

Fulgent Genetics
Classification: Uncertain significance for Neurofibromatosis, type 1; Neurofibromatosis, familial spinal; Café-au-lait macules with pulmonary stenosis; Neurofibromatosis-Noonan syndrome; Juvenile myelomonocytic leukemia. Last evaluated: 2022-04-12. Review status: criteria provided, single submitter. Criteria: ACMG Guidelines, 2015. Collection method: clinical testing. Allele origin: unknown.

NM_001042492.3(NF1):c.15G>T (p.Arg5Ser)

Genes: MIR4733HG (MIR4733 host gene; minus strand), NF1 (neurofibromin 1; plus strand), LOC111811965 (NF1 (neurofibromin 1) promoter region; plus strand). Cytogenetic location: 17q11.2.
Variant type: single nucleotide variant.
Coding change: c.15G>T on transcript NM_001042492.3 (MANE Select); coding-DNA position 15, G replaced by T.
Protein change: p.Arg5Ser; replaces arginine 5 with serine.
Molecular consequence: missense variant. On other transcripts: non-coding transcript variant (1).
Genome position (GRCh38, 1-based): chr17:31,095,324, G>T. VCF-style: chr17-31095324-G-T. GRCh37 (hg19) VCF-style: chr17-29422342-G-T.
Other names: c.15G>T, p.Arg5Ser (NM_000267.4, NM_001128147.3); short protein forms R5S.
Identifiers: ClinVar variation 578123 (VCV000578123.7), dbSNP rs1567786804, ClinGen allele CA398979213.